The following is an entry in ClinVar:

Conditions:
Arteriohepatic dysplasia. Also called: Alagille Syndrome. Identifiers: Orphanet 52, MedGen C0085280, MeSH D016738, MONDO:0007318.

Submission:

Gilbert/Spinner Lab, Children's Hospital of Philadelphia
No classification provided (evidence only). Condition: Alagille syndrome. Review status: no classification provided. Collection method: research. Allele origin: not applicable. Functional consequence: functionally_abnormal.
ClinVar note: "not provided" was previously submitted as the classification for the variant. However, the classification appeared to be based only on an observation of functional data so it was converted to no classification on 2025-07-30.

NM_000214.3(JAG1):c.407T>A (p.Val136Glu)

Gene: JAG1 (jagged canonical Notch ligand 1; minus strand). Cytogenetic location: 20p12.2.
Variant type: single nucleotide variant.
Coding change: c.407T>A on transcript NM_000214.3 (MANE Select); coding-DNA position 407, T replaced by A.
Protein change: p.Val136Glu; replaces valine 136 with glutamic acid.
Molecular consequence: missense variant.
Genome position (GRCh38, 1-based): chr20:10,663,995, A>T on the plus strand (T>A on the coding strand, the complement: JAG1 is on the minus strand). VCF-style: chr20-10663995-A-T. GRCh37 (hg19) VCF-style: chr20-10644643-A-T.
Other names: short protein forms V136E.
Identifiers: ClinVar variation 3573461 (VCV003573461.2).